The following is an entry in ClinVar:

NM_015046.7(SETX):c.343C>G (p.Leu115Val)

Gene: SETX (senataxin; minus strand). Cytogenetic location: 9q34.13.
Variant type: single nucleotide variant.
Coding change: c.343C>G on transcript NM_015046.7 (MANE Select); coding-DNA position 343, C replaced by G.
Protein change: p.Leu115Val; replaces leucine 115 with valine.
Molecular consequence: missense variant.
Genome position (GRCh38, 1-based): chr9:132,346,306, G>C on the plus strand (C>G on the coding strand, the complement: SETX is on the minus strand). VCF-style: chr9-132346306-G-C. GRCh37 (hg19) VCF-style: chr9-135221693-G-C.
Other names: c.343C>G, p.Leu115Val (NM_001351527.2, NM_001351528.2); short protein forms L115V.
Identifiers: ClinVar variation 985971 (VCV000985971.10), dbSNP rs538372427, ClinGen allele CA5298080.

ClinVar aggregate classification (germline): Conflicting classifications of pathogenicity. Review status: criteria provided, conflicting classifications (1 of 4 stars). 5 submissions from 4 submitters: Uncertain significance (4); Benign (1). Last evaluated 2025-02-18.

Conditions:
Amyotrophic lateral sclerosis type 4 (ALS4). Also called: AMYOTROPHIC LATERAL SCLEROSIS 4, JUVENILE; NEURONOPATHY, DISTAL HEREDITARY MOTOR, WITH PYRAMIDAL FEATURES. Identifiers: Orphanet 357043, MedGen C1865409, MONDO:0011223, OMIM 602433.
Spinocerebellar ataxia, autosomal recessive, with axonal neuropathy 2 (SCAN2). Also called: Ataxia with Oculomotor Apraxia; ATAXIA-OCULOMOTOR APRAXIA 2; Ataxia-ocular apraxia-2; Ataxia with Oculomotor Apraxia Type 2. Identifiers: Orphanet 64753, MedGen C1853761, MONDO:0018996, OMIM 606002.
Inborn genetic diseases. Identifiers: MedGen C0950123, MeSH D030342.

Allele frequency attached by ClinVar (database versions not stated): gnomAD exomes below 0.00001 and 0.00001; ExAC 0.00001; gnomAD 0.00002; TOPMed 0.00005; 1000 Genomes Project 30x 0.00016; 1000 Genomes Project 0.00020.
gnomAD v4.1: 8 of 1,614,016 alleles (0.0005%); highest among the groups gnomAD compares: African/African-American, 0.0053%; no homozygotes.

Submissions (5):

GeneDx
Classification: Uncertain significance. Last evaluated: 2025-02-18. Review status: criteria provided, single submitter. Criteria: GeneDx Variant Classification Process June 2021. Collection method: clinical testing. Allele origin: germline. Affected: yes.
Comment: Not observed at significant frequency in large population cohorts (gnomAD); In silico analysis indicates that this missense variant does not alter protein structure/function; Has not been previously published as pathogenic or benign to our knowledge

Labcorp Genetics (formerly Invitae), Labcorp
Classification: Benign for Amyotrophic lateral sclerosis type 4; Spinocerebellar ataxia, autosomal recessive, with axonal neuropathy 2. Last evaluated: 2024-07-24. Review status: criteria provided, single submitter. Criteria: Invitae Variant Classification Sherloc (09022015). Collection method: clinical testing. Allele origin: germline.

Genome-Nilou Lab
Classification: Uncertain significance for Spinocerebellar ataxia, autosomal recessive, with axonal neuropathy 2. Last evaluated: 2023-02-08. Review status: criteria provided, single submitter. Criteria: ACMG Guidelines, 2015. Collection method: clinical testing. Allele origin: germline.

Genome-Nilou Lab
Classification: Uncertain significance for Amyotrophic lateral sclerosis type 4. Last evaluated: 2023-02-08. Review status: criteria provided, single submitter. Criteria: ACMG Guidelines, 2015. Collection method: clinical testing. Allele origin: germline.

Ambry Genetics
Classification: Uncertain significance for Inborn genetic diseases. Last evaluated: 2019-07-23. Review status: criteria provided, single submitter. Criteria: Ambry exome assertion method (8-5-2015). Collection method: clinical testing. Allele origin: germline. Affected: yes. Observed: 1 variant allele.